The following is an entry in ClinVar:

ClinVar aggregate classification (germline): Uncertain significance. Review status: criteria provided, multiple submitters, no conflicts (2 of 4 stars). 2 submissions from 2 submitters: Uncertain significance (2). Last evaluated 2023-11-17.

Conditions:
Hypertrophic cardiomyopathy 11. Also called: ACTC1-Related Familial Hypertrophic Cardiomyopathy. Identifiers: MedGen C2677506, MONDO:0012799, OMIM 612098.
Atrial septal defect 5 (ASD5). Identifiers: Orphanet 1478, MedGen C2748552, MONDO:0013011, OMIM 612794.
Dilated cardiomyopathy 1R (CMD1R). Identifiers: Orphanet 154, Orphanet 54260, MedGen C3150681, MONDO:0013261, OMIM 613424.

Submissions (2):

Labcorp Genetics (formerly Invitae), Labcorp
Classification: Uncertain significance for Dilated cardiomyopathy 1R; Hypertrophic cardiomyopathy 11; Atrial septal defect 5. Last evaluated: 2023-11-17. Review status: criteria provided, single submitter. Criteria: Invitae Variant Classification Sherloc (09022015). Collection method: clinical testing. Allele origin: germline.
Comment: This sequence change replaces threonine, which is neutral and polar, with asparagine, which is neutral and polar, at codon 128 of the ACTC1 protein (p.Thr128Asn). This variant is not present in population databases (gnomAD no frequency). This variant has not been reported in the literature in individuals affected with ACTC1-related conditions. ClinVar contains an entry for this variant (Variation ID: 1058569). Advanced modeling of protein sequence and biophysical properties (such as structural, functional, and spatial information, amino acid conservation, physicochemical variation, residue mobility, and thermodynamic stability) performed at Invitae indicates that this missense variant is not expected to disrupt ACTC1 protein function with a negative predictive value of 80%. In summary, the available evidence is currently insufficient to determine the role of this variant in disease. Therefore, it has been classified as a Variant of Uncertain Significance.

KardioGenetik, Herz- und Diabeteszentrum NRW
Classification: Uncertain significance for Dilated cardiomyopathy 1R. Last evaluated: 2023-09-20. Review status: criteria provided, single submitter. Criteria: ACMG Guidelines, 2015. Collection method: clinical testing. Allele origin: unknown. Affected: yes. Observed: 1 variant allele.

NM_005159.5(ACTC1):c.383C>A (p.Thr128Asn)

Genes: ACTC1 (actin alpha cardiac muscle 1; minus strand), GJD2-DT (GJD2 divergent transcript; plus strand). Cytogenetic location: 15q14.
Variant type: single nucleotide variant.
Coding change: c.383C>A on transcript NM_005159.5 (MANE Select); coding-DNA position 383, C replaced by A.
Protein change: p.Thr128Asn; replaces threonine 128 with asparagine.
Molecular consequence: missense variant.
Genome position (GRCh38, 1-based): chr15:34,793,316, G>T on the plus strand (C>A on the coding strand, the complement: ACTC1 is on the minus strand). VCF-style: chr15-34793316-G-T. GRCh37 (hg19) VCF-style: chr15-35085517-G-T.
Other names: short protein forms T128N.
Identifiers: ClinVar variation 1058569 (VCV001058569.9), dbSNP rs727504308, ClinGen allele CA391631353.
Genomic context (GRCh38, chr15:34,793,316, plus strand): 5'-CCAGAAGCATACAGGGATAGCACTGCCTGGATGGCCACGTACATGGCAGGGACATTGAAG[G>T]TCTCAAACATGATCTGAGTCATCTTCTCCCGGTTGGCCTTGGGGTTCAGCGGGGCCTCTG-3'
Protein context (NP_005150.1, residues 118-138): REKMTQIMFE[Thr128Asn]FNVPAMYVAI